The following is an entry in ClinVar:

ClinVar aggregate classification (germline): Uncertain significance (1 of 4 stars; one submission).

Submission:

Labcorp Genetics (formerly Invitae), Labcorp
Classification: Uncertain significance. Last evaluated: 2024-08-29. Review status: criteria provided, single submitter. Criteria: Invitae Variant Classification Sherloc (09022015). Collection method: clinical testing. Allele origin: germline.
Comment: This sequence change replaces valine, which is neutral and non-polar, with methionine, which is neutral and non-polar, at codon 322 of the CEACAM16 protein (p.Val322Met). The frequency data for this variant in the population databases is considered unreliable, as metrics indicate poor data quality at this position in the gnomAD database. This variant has not been reported in the literature in individuals affected with CEACAM16-related conditions. An algorithm developed to predict the effect of missense changes on protein structure and function (PolyPhen-2) suggests that this variant is likely to be disruptive. In summary, the available evidence is currently insufficient to determine the role of this variant in disease. Therefore, it has been classified as a Variant of Uncertain Significance.

NM_001039213.4(CEACAM16):c.964G>A (p.Val322Met)

Genes: CEACAM16 (CEA cell adhesion molecule 16, tectorial membrane component; plus strand), CEACAM16-AS1 (CEACAM16, CEACAM19 and PVR antisense RNA 1; minus strand). Cytogenetic location: 19q13.32.
Variant type: single nucleotide variant.
Coding change: c.964G>A on transcript NM_001039213.4 (MANE Select); coding-DNA position 964, G replaced by A.
Protein change: p.Val322Met; replaces valine 322 with methionine.
Molecular consequence: missense variant.
Genome position (GRCh38, 1-based): chr19:44,707,884, G>A. VCF-style: chr19-44707884-G-A. GRCh37 (hg19) VCF-style: chr19-45211156-G-A.
Other names: short protein forms V322M.
Identifiers: ClinVar variation 3620291 (VCV003620291.2).
Genomic context (GRCh38, chr19:44,707,884, plus strand): 5'-AGACCAAACTGACCCAGCCCGCTCGCTCTCTCCCCAGCTGCAGCAGTTGCCACGATGATC[G>A]TGCCCGTGCCCACCAAGCCAACGGAGGGCCAGGACGTAACACTGACCGTGCAGGGCTACC-3'
Protein context (NP_001034302.2, residues 312-332): LSAAAVATMI[Val322Met]PVPTKPTEGQ